The following is an entry in ClinVar:

ClinVar aggregate classification (germline): Pathogenic (1 of 4 stars; one submission).

Conditions:
Dilated cardiomyopathy 1G (CMD1G). Identifiers: Orphanet 154, MedGen C1858763, MONDO:0011400, OMIM 604145.

Submission:

Molecular Genetics Laboratory, Motol Hospital
Classification: Pathogenic for Dilated cardiomyopathy 1G. Last evaluated: 2024-09-28. Review status: criteria provided, single submitter. Criteria: ACMG/ClinGen CNV Guidelines, 2019. Collection method: clinical testing. Allele origin: germline. Inheritance: Autosomal dominant inheritance. Affected: yes. Observed: 1 heterozygote.
Comment: TTN gene deletions have been identified as a (possible or definitive) molecular cause of approximately 30 % cardiomyopathies. The most common hotspot region for clinically relevant variants is the exon number 326 which is located in the A band as the Fibronectin type III domain (Jolfayi AG, et al., 2024; PMID: 38438525). The breakpoints are located within exon 326 and exon 330 (NM_001267550) and they were confirmed by Sanger sequencing after exome sequencing.

NM_001267550.2(TTN):c.85464_88084del2621 (p.Glu28489fs)

Genes: TTN (titin; minus strand), TTN-AS1 (TTN antisense RNA 1; plus strand). Cytogenetic location: 2q31.2.
Variant type: Deletion.
Coding change: c.85464_88084del2621 on transcript NM_001267550.2 (MANE Select); coding-DNA positions 85464 to 88084, 2,621 bases deleted.
Protein change: p.Glu28489fs; shifts the reading frame from glutamic acid 28489.
Molecular consequence: frameshift variant, splice acceptor variant, splice donor variant.
Genome position: GRCh38: chr2:178,557,070-178,560,668. GRCh37 (hg19): chr2:179,421,797-179,425,395.
Other names: c.58845_61465del2621, p.Glu19616fs (NM_133437.4); c.77760_80380del2621, p.Glu25921fs (NM_133378.4); c.58644_61264del2621, p.Glu19549fs (NM_133432.3); c.80541_83161del2621, p.Glu26848fs (NM_001256850.1); c.58269_60889del2621, p.Glu19424fs (NM_003319.4); short protein forms E19424fs, E19549fs, E19616fs, E25921fs, E26848fs, E28489fs.
Identifiers: ClinVar variation 3358865 (VCV003358865.4).